The following is an entry in ClinVar:

NM_017780.4(CHD7):c.3166A>T (p.Ile1056Phe)

Gene: CHD7 (chromodomain helicase DNA binding protein 7; plus strand). Cytogenetic location: 8q12.2.
Variant type: single nucleotide variant.
Coding change: c.3166A>T on transcript NM_017780.4 (MANE Select); coding-DNA position 3166, A replaced by T.
Protein change: p.Ile1056Phe; replaces isoleucine 1056 with phenylalanine.
Molecular consequence: missense variant. On other transcripts: intron variant (1).
Genome position (GRCh38, 1-based): chr8:60,822,711, A>T. VCF-style: chr8-60822711-A-T. GRCh37 (hg19) VCF-style: chr8-61735270-A-T.
Other names: c.1717-39518A>T (NM_001316690.1); short protein forms I1056F.
Identifiers: ClinVar variation 2574402 (VCV002574402.2), dbSNP rs749081560, ClinGen allele CA371310377.

ClinVar aggregate classification (germline): Uncertain significance. Review status: criteria provided, multiple submitters, no conflicts (2 of 4 stars). 2 submissions from 2 submitters: Uncertain significance (2). Last evaluated 2024-06-15.

Conditions:
CHARGE syndrome (CHARGE). Also called: Hittner Hirsch Kreh syndrome; CHARGE ASSOCIATION--COLOBOMA, HEART ANOMALY, CHOANAL ATRESIA, RETARDATION, GENITAL AND EAR ANOMALIES; Coloboma, heart anomaly, choanal atresia, retardation, genital and ear anomalies; CHARGE association; Hall-Hittner syndrome. Identifiers: Orphanet 138, MedGen C0265354, MONDO:0008965.
Hypogonadotropic hypogonadism 5 with or without anosmia (KAL5). Also called: CHD7-Related GnRH Deficiency (Kallmann Syndrome 5); HYPOGONADOTROPIC HYPOGONADISM 5 WITH ANOSMIA; HYPOGONADOTROPHIC HYPOGONADISM 5 WITHOUT ANOSMIA. Identifiers: Orphanet 478, MedGen C3552553, MONDO:0012880, OMIM 612370. Disease mechanism: loss of function.

Submissions (2):

Fulgent Genetics
Classification: Uncertain significance for CHD7-related CHARGE syndrome; Hypogonadotropic hypogonadism 5 with or without anosmia. Last evaluated: 2024-06-15. Review status: criteria provided, single submitter. Criteria: ACMG Guidelines, 2015. Collection method: clinical testing. Allele origin: germline.

GeneDx
Classification: Uncertain significance. Last evaluated: 2023-01-25. Review status: criteria provided, single submitter. Criteria: GeneDx Variant Classification Process June 2021. Collection method: clinical testing. Allele origin: germline. Affected: yes.
Comment: Not observed at significant frequency in large population cohorts (gnomAD); In silico analysis supports that this missense variant has a deleterious effect on protein structure/function; Has not been previously published as pathogenic or benign to our knowledge